The following is an entry in ClinVar:

ClinVar aggregate classification (germline): Uncertain significance. Review status: criteria provided, multiple submitters, no conflicts (2 of 4 stars). 3 submissions from 3 submitters: Uncertain significance (2). 1 of the submissions does not count toward it. Last evaluated 2024-01-22.

Conditions:
Neuronal ceroid lipofuscinosis 7 (CLN7). Also called: MFSD8-Related Neuronal Ceroid-Lipofuscinosis. Identifiers: Orphanet 168491, Orphanet 228366, MedGen C1838571, MONDO:0012588, OMIM 610951.
Late-infantile neuronal ceroid lipofuscinosis. Also called: Jansky-Bielschowsky disease. Identifiers: MedGen C0022340, MONDO:0015674.

Allele frequency attached by ClinVar (database versions not stated): ExAC 0.00003; gnomAD 0.00003 and 0.00002; TOPMed 0.00002.
gnomAD v4.1: 30 of 1,613,948 alleles (0.0019%); highest among the groups gnomAD compares: East Asian, 0.036%; no homozygotes.

Submissions (3):

Labcorp Genetics (formerly Invitae), Labcorp
Classification: Uncertain significance for Neuronal ceroid lipofuscinosis 7. Last evaluated: 2024-01-22. Review status: criteria provided, single submitter. Criteria: Invitae Variant Classification Sherloc (09022015). Collection method: clinical testing. Allele origin: germline.
Comment: This sequence change replaces arginine, which is basic and polar, with glutamine, which is neutral and polar, at codon 482 of the MFSD8 protein (p.Arg482Gln). This variant is present in population databases (rs547726489, gnomAD 0.01%). This variant has not been reported in the literature in individuals affected with MFSD8-related conditions. ClinVar contains an entry for this variant (Variation ID: 569809). Advanced modeling of protein sequence and biophysical properties (such as structural, functional, and spatial information, amino acid conservation, physicochemical variation, residue mobility, and thermodynamic stability) performed at Invitae indicates that this missense variant is not expected to disrupt MFSD8 protein function with a negative predictive value of 80%. In summary, the available evidence is currently insufficient to determine the role of this variant in disease. Therefore, it has been classified as a Variant of Uncertain Significance.

Blueprint Genetics
Classification: Uncertain significance. Last evaluated: 2022-12-23. Review status: criteria provided, single submitter. Criteria: ACMG Guidelines, 2015. Collection method: clinical testing. Allele origin: germline.

Natera, Inc.
Classification: Uncertain significance for Late-infantile neuronal ceroid lipofuscinosis. Last evaluated: 2019-11-11. Review status: no assertion criteria provided. Collection method: clinical testing. Allele origin: germline. Not counted in ClinVar's aggregate classification.

NM_001371596.2(MFSD8):c.1445G>A (p.Arg482Gln)

Gene: MFSD8 (major facilitator superfamily domain containing 8; minus strand). Cytogenetic location: 4q28.2.
Variant type: single nucleotide variant.
Coding change: c.1445G>A on transcript NM_001371596.2 (MANE Select); coding-DNA position 1445, G replaced by A.
Protein change: p.Arg482Gln; replaces arginine 482 with glutamine.
Molecular consequence: missense variant.
Genome position (GRCh38, 1-based): chr4:127,920,742, C>T on the plus strand (G>A on the coding strand, the complement: MFSD8 is on the minus strand). VCF-style: chr4-127920742-C-T. GRCh37 (hg19) VCF-style: chr4-128841897-C-T.
Other names: c.1244G>A, p.Arg415Gln (NM_001363520.3); c.1130G>A, p.Arg377Gln (NM_001363521.3); c.1310G>A, p.Arg437Gln (NM_001371590.2); c.1454G>A, p.Arg485Gln (NM_001371591.2); c.1451G>A, p.Arg484Gln (NM_001371592.2); c.1331G>A, p.Arg444Gln (NM_001371593.2); c.1298G>A, p.Arg433Gln (NM_001371594.2); c.1163G>A, p.Arg388Gln (NM_001371595.1); and 3 more; short protein forms R482Q, R415Q, R377Q, R388Q, R433Q, R437Q, R444Q, R484Q.
Identifiers: ClinVar variation 569809 (VCV000569809.9), dbSNP rs547726489, ClinGen allele CA3077223.